The following is an entry in ClinVar:

NM_001754.5(RUNX1):c.842A>G (p.Tyr281Cys)

Gene: RUNX1 (RUNX family transcription factor 1; minus strand). Cytogenetic location: 21q22.12.
Variant type: single nucleotide variant.
Coding change: c.842A>G on transcript NM_001754.5 (MANE Select); coding-DNA position 842, A replaced by G.
Protein change: p.Tyr281Cys; replaces tyrosine 281 with cysteine.
Molecular consequence: missense variant.
Genome position (GRCh38, 1-based): chr21:34,799,426, T>C on the plus strand (A>G on the coding strand, the complement: RUNX1 is on the minus strand). VCF-style: chr21-34799426-T-C. GRCh37 (hg19) VCF-style: chr21-36171723-T-C.
Other names: NM_001754.5(RUNX1):c.842A>G; p.Tyr281Cys; c.761A>G, p.Tyr254Cys (NM_001001890.3); short protein forms Y281C, Y254C.
Identifiers: ClinVar variation 2887997 (VCV002887997.5), dbSNP rs2145909607, ClinGen allele CA410150203.

ClinVar aggregate classification (germline): Uncertain significance. Review status: reviewed by expert panel (3 of 4 stars). 3 submissions from 3 submitters: Uncertain significance (1). 2 of the submissions do not count toward it. Last evaluated 2025-01-15.

Conditions:
Inborn genetic diseases. Identifiers: MedGen C0950123, MeSH D030342.
Hereditary thrombocytopenia and hematological cancer predisposition syndrome associated with RUNX1. Also called: Familial Platelet Disorder with Propensity to Acute Myelogenous Leukemia; Familial thrombocytopenia with propensity to acute myelogenous leukemia; PLATELET DISORDER, ASPIRIN-LIKE; RUNX1 Familial Platelet Disorder with Associated Myeloid Malignancies. Identifiers: Orphanet 71290, MedGen C1832388, MeSH C563324, MONDO:0100083, OMIM 601399.
Hereditary thrombocytopenia and hematologic cancer predisposition syndrome. Identifiers: Orphanet 71290, MedGen CN281654, MONDO:0011071.

Submissions (3):

ClinGen Myeloid Malignancy Variant Curation Expert Panel
Classification: Uncertain significance for Hereditary thrombocytopenia and hematologic cancer predisposition syndrome. Last evaluated: 2025-01-15. Review status: reviewed by expert panel. Criteria: ClinGen MyeloMalig ACMG Specifications v2. Collection method: curation. Allele origin: germline. Inheritance: Autosomal dominant inheritance.
Comment: NM_001754.5(RUNX1):c.842A>G (p.Tyr281Cys) is a missense variant which is completely absent from all population databases with at least 20x coverage for RUNX1 (PM2_Supporting). In summary, the clinical significance of this variant is uncertain. ACMG/AMP criteria applied, as specified by the Myeloid Malignancy Variant Curation Expert Panel for RUNX1: PM2_Supporting.

Ambry Genetics
Classification: Uncertain significance for Inborn genetic diseases. Last evaluated: 2025-12-26. Review status: criteria provided, single submitter. Criteria: Ambry Variant Classification Scheme 2023. Collection method: clinical testing. Allele origin: germline. Not counted in ClinVar's aggregate classification.
Comment: The p.Y281C variant (also known as c.842A>G), located in coding exon 7 of the RUNX1 gene, results from an A to G substitution at nucleotide position 842. The tyrosine at codon 281 is replaced by cysteine, an amino acid with highly dissimilar properties. This amino acid position is conserved. In addition, the in silico prediction for this alteration is inconclusive. Based on the available evidence, the clinical significance of this variant remains unclear.

Labcorp Genetics (formerly Invitae), Labcorp
Classification: Uncertain significance for Hereditary thrombocytopenia and hematological cancer predisposition syndrome associated with RUNX1. Last evaluated: 2023-08-18. Review status: criteria provided, single submitter. Criteria: Invitae Variant Classification Sherloc (09022015). Collection method: clinical testing. Allele origin: germline. Not counted in ClinVar's aggregate classification.
Comment: This variant is not present in population databases (gnomAD no frequency). This sequence change replaces tyrosine, which is neutral and polar, with cysteine, which is neutral and slightly polar, at codon 281 of the RUNX1 protein (p.Tyr281Cys). This variant has not been reported in the literature in individuals affected with RUNX1-related conditions. Advanced modeling of protein sequence and biophysical properties (such as structural, functional, and spatial information, amino acid conservation, physicochemical variation, residue mobility, and thermodynamic stability) performed at Invitae indicates that this missense variant is not expected to disrupt RUNX1 protein function. In summary, the available evidence is currently insufficient to determine the role of this variant in disease. Therefore, it has been classified as a Variant of Uncertain Significance.